The following is an entry in ClinVar:

NM_012431.3(SEMA3E):c.1435C>T (p.Leu479=)

Gene: SEMA3E (semaphorin 3E; minus strand). Cytogenetic location: 7q21.11.
Variant type: single nucleotide variant.
Coding change: c.1435C>T on transcript NM_012431.3 (MANE Select); coding-DNA position 1435, C replaced by T.
Protein change: p.Leu479=; no amino-acid change (leucine 479 retained).
Molecular consequence: synonymous variant.
Genome position (GRCh38, 1-based): chr7:83,396,661, G>A on the plus strand (C>T on the coding strand, the complement: SEMA3E is on the minus strand). VCF-style: chr7-83396661-G-A. GRCh37 (hg19) VCF-style: chr7-83025977-G-A.
Other names: c.1255C>T, p.Leu419= (NM_001178129.2).
Identifiers: ClinVar variation 700561 (VCV000700561.29), dbSNP rs757610572, ClinGen allele CA4322029.

ClinVar aggregate classification (germline): Likely benign. Review status: criteria provided, multiple submitters, no conflicts (2 of 4 stars). 4 submissions from 4 submitters: Likely benign (3). 1 of the submissions does not count toward it. Last evaluated 2026-08-01.

Conditions:
SEMA3E-related disorder. Also called: SEMA3E-related condition.
CHARGE syndrome (CHARGE). Also called: Hittner Hirsch Kreh syndrome; CHARGE ASSOCIATION--COLOBOMA, HEART ANOMALY, CHOANAL ATRESIA, RETARDATION, GENITAL AND EAR ANOMALIES; Coloboma, heart anomaly, choanal atresia, retardation, genital and ear anomalies; CHARGE association; Hall-Hittner syndrome. Identifiers: Orphanet 138, MedGen C0265354, MONDO:0008965.
Hypogonadotropic hypogonadism 7 with or without anosmia (HH7). Also called: GNRHR-Related GnRH Deficiency; HYPOGONADOTROPIC HYPOGONADISM 7 WITHOUT ANOSMIA. Identifiers: Orphanet 432, MedGen C0342384, MONDO:0007794, OMIM 146110.

Allele frequency attached by ClinVar (database versions not stated): gnomAD exomes 0.00002 and 0.00006; ExAC 0.00004; gnomAD 0.00015 and 0.00016; TOPMed 0.00015.
gnomAD v4.1: 51 of 1,606,330 alleles (0.0032%); highest among the groups gnomAD compares: Admixed American, 0.085%; no homozygotes.

Submissions (4):

CeGaT Center for Human Genetics Tuebingen
Classification: Likely benign. Last evaluated: 2026-08-01. Review status: criteria provided, single submitter. Criteria: CeGaT Center For Human Genetics Tuebingen Variant Classification Criteria Version 2. Collection method: clinical testing. Allele origin: germline. Affected: yes. Observed: 3 variant alleles.
Comment: SEMA3E: BP4, BP7

Labcorp Genetics (formerly Invitae), Labcorp
Classification: Likely benign for CHARGE syndrome. Last evaluated: 2026-01-02. Review status: criteria provided, single submitter. Criteria: Invitae Variant Classification Sherloc (09022015). Collection method: clinical testing. Allele origin: germline.

Fulgent Genetics
Classification: Likely benign for Hypogonadotropic hypogonadism 7 with or without anosmia; CHD7-related CHARGE syndrome. Last evaluated: 2021-08-19. Review status: criteria provided, single submitter. Criteria: ACMG Guidelines, 2015. Collection method: clinical testing. Allele origin: unknown.

PreventionGenetics, part of Exact Sciences
Classification: Likely benign for SEMA3E-related condition. Last evaluated: 2019-05-31. Review status: no assertion criteria provided. Collection method: clinical testing. Allele origin: germline. Not counted in ClinVar's aggregate classification.
Comment: This variant is classified as likely benign based on ACMG/AMP sequence variant interpretation guidelines (Richards et al. 2015 PMID: 25741868, with internal and published modifications).